The following is an entry in ClinVar:

ClinVar aggregate classification (germline): Pathogenic (1 of 4 stars; one submission).

Submission:

Labcorp Genetics (formerly Invitae), Labcorp
Classification: Pathogenic. Last evaluated: 2022-03-10. Review status: criteria provided, single submitter. Criteria: Invitae Variant Classification Sherloc (09022015). Collection method: clinical testing. Allele origin: germline.
Comment: For these reasons, this variant has been classified as Pathogenic. ClinVar contains an entry for this variant (Variation ID: 836407). This variant has not been reported in the literature in individuals affected with ADAMTS18-related conditions. This variant is not present in population databases (gnomAD no frequency). This sequence change creates a premature translational stop signal (p.Ser1158*) in the ADAMTS18 gene. It is expected to result in an absent or disrupted protein product. Loss-of-function variants in ADAMTS18 are known to be pathogenic (PMID: 23818446, 24874986).

Literature cited by the submitters: PubMed 23818446; PubMed 24874986.

NM_199355.4(ADAMTS18):c.3473C>G (p.Ser1158Ter)

Genes: ADAMTS18 (ADAM metallopeptidase with thrombospondin type 1 motif 18; minus strand), LOC126862407 (CDK7 strongly-dependent group 2 enhancer GRCh37_chr16:77322970-77324169; plus strand). Cytogenetic location: 16q23.1.
Variant type: single nucleotide variant.
Coding change: c.3473C>G on transcript NM_199355.4 (MANE Select); coding-DNA position 3473, C replaced by G.
Protein change: p.Ser1158Ter; replaces serine 1158 with a stop codon.
Molecular consequence: nonsense.
Genome position (GRCh38, 1-based): chr16:77,289,341, G>C on the plus strand (C>G on the coding strand, the complement: ADAMTS18 is on the minus strand). VCF-style: chr16-77289341-G-C. GRCh37 (hg19) VCF-style: chr16-77323238-G-C.
Other names: c.2957C>G, p.Ser986Ter (NM_001326358.2); short protein forms S1158*, S986*.
Identifiers: ClinVar variation 836407 (VCV000836407.8), dbSNP rs2055318198, ClinGen allele CA396830515.
Genomic context (GRCh38, chr16:77,289,341, plus strand): 5'-GGACAGAAGTTTGTATTACAGGCTCGTAGCACCGGAGGTTTCTGATGGAGCAGACAACTT[G>C]AGGAAGGCCGGCCTTGCTGAACACAGTGGACTGACCGGGTCTGGACCCCTCCCCCACAGG-3'